The following is an entry in ClinVar:

ClinVar aggregate classification (germline): Uncertain significance (1 of 4 stars; one submission).

Submission:

GeneDx
Classification: Uncertain significance. Last evaluated: 2024-07-25. Review status: criteria provided, single submitter. Criteria: GeneDx Variant Classification Process June 2021. Collection method: clinical testing. Allele origin: germline. Affected: yes.
Comment: Has not been previously published as pathogenic or benign to our knowledge; Not observed at significant frequency in large population cohorts (gnomAD); In silico analysis indicates that this missense variant does not alter protein structure/function; This variant is associated with the following publications: (PMID: 26807690)

NM_001927.4(DES):c.166G>A (p.Val56Met)

Gene: DES (desmin; plus strand). Cytogenetic location: 2q35.
Variant type: single nucleotide variant.
Coding change: c.166G>A on transcript NM_001927.4 (MANE Select); coding-DNA position 166, G replaced by A.
Protein change: p.Val56Met; replaces valine 56 with methionine.
Molecular consequence: missense variant.
Genome position (GRCh38, 1-based): chr2:219,418,628, G>A. VCF-style: chr2-219418628-G-A. GRCh37 (hg19) VCF-style: chr2-220283350-G-A.
Other names: c.166G>A, p.Val56Met (NM_001382708.1, NM_001382709.1, NM_001382710.1 and 3 more transcripts); short protein forms V56M.
Identifiers: ClinVar variation 3600954 (VCV003600954.1).